The following is an entry in ClinVar:

ClinVar aggregate classification (germline): Conflicting classifications of pathogenicity. Review status: criteria provided, conflicting classifications (1 of 4 stars). 2 submissions from 2 submitters: Uncertain significance (1); Likely benign (1). Last evaluated 2024-02-09.

Conditions:
Pfeiffer syndrome (ACS5). Also called: ACS V. Identifiers: Orphanet 710, MedGen C0220658, MONDO:0007043, OMIM 101600.
Hypogonadotropic hypogonadism 2 with or without anosmia (HH2). Also called: HYPOGONADOTROPIC HYPOGONADISM 2 WITH OR WITHOUT ANOSMIA, SUSCEPTIBILITY TO; HYPOGONADOTROPIC HYPOGONADISM 2 WITHOUT ANOSMIA, SUSCEPTIBILITY TO; HYPOGONADOTROPIC HYPOGONADISM 2 WITHOUT ANOSMIA; FGFR1-Related GnRH Deficiency (Kallmann Syndrome 2). Identifiers: Orphanet 478, MedGen C1563720, MONDO:0007844, OMIM 147950. Disease mechanism: loss of function.

gnomAD v4.1: 4 of 1,613,998 alleles (0.00025%); highest among the groups gnomAD compares: East Asian, 0.0067%; no homozygotes.

Submissions (2):

Labcorp Genetics (formerly Invitae), Labcorp
Classification: Likely benign for Pfeiffer syndrome; Hypogonadotropic hypogonadism 2 with or without anosmia. Last evaluated: 2024-02-09. Review status: criteria provided, single submitter. Criteria: Invitae Variant Classification Sherloc (09022015). Collection method: clinical testing. Allele origin: germline.

GeneDx
Classification: Uncertain significance. Last evaluated: 2023-07-28. Review status: criteria provided, single submitter. Criteria: GeneDx Variant Classification Process June 2021. Collection method: clinical testing. Allele origin: germline. Affected: yes.
Comment: In silico analysis supports that this variant does not alter splicing; Has not been previously published as pathogenic or benign to our knowledge

NM_023110.3(FGFR1):c.954C>T (p.Thr318=)

Gene: FGFR1 (fibroblast growth factor receptor 1; minus strand). Cytogenetic location: 8p11.23.
Variant type: single nucleotide variant.
Coding change: c.954C>T on transcript NM_023110.3 (MANE Select); coding-DNA position 954, C replaced by T.
Protein change: p.Thr318=; no amino-acid change (threonine 318 retained).
Molecular consequence: synonymous variant.
Genome position (GRCh38, 1-based): chr8:38,421,924, G>A on the plus strand (C>T on the coding strand, the complement: FGFR1 is on the minus strand). VCF-style: chr8-38421924-G-A. GRCh37 (hg19) VCF-style: chr8-38279442-G-A.
Other names: c.954C>T, p.Thr318= (NM_001174063.2); c.930C>T, p.Thr310= (NM_001174064.2); c.948C>T, p.Thr316= (NM_001174065.2, NM_001354367.2, NM_001354369.2 and 2 more transcripts); c.687C>T, p.Thr229= (NM_001174066.2, NM_023105.3); c.1047C>T, p.Thr349= (NM_001174067.2); c.681C>T, p.Thr227= (NM_001354368.2, NM_001354370.2, NM_023106.3).
Identifiers: ClinVar variation 3361666 (VCV003361666.3).